The following is an entry in ClinVar:

NM_138295.5(PKD1L1):c.2559A>G (p.Ala853=)

Gene: PKD1L1 (polycystin 1 like 1, transient receptor potential channel interacting; minus strand). Cytogenetic location: 7p12.3.
Variant type: single nucleotide variant.
Coding change: c.2559A>G on transcript NM_138295.5 (MANE Select); coding-DNA position 2559, A replaced by G.
Protein change: p.Ala853=; no amino-acid change (alanine 853 retained).
Molecular consequence: synonymous variant.
Genome position (GRCh38, 1-based): chr7:47,890,658, T>C on the plus strand (A>G on the coding strand, the complement: PKD1L1 is on the minus strand). VCF-style: chr7-47890658-T-C. GRCh37 (hg19) VCF-style: chr7-47930256-T-C.
Identifiers: ClinVar variation 2657461 (VCV002657461.24), dbSNP rs892426253, ClinGen allele CA158121234.

ClinVar aggregate classification (germline): Likely benign (1 of 4 stars; one submission).

Allele frequency attached by ClinVar (database versions not stated): gnomAD 0.00001; TOPMed 0.00003; gnomAD exomes below 0.00001.
gnomAD v4.1: 3 of 1,614,152 alleles (0.00019%); highest among the groups gnomAD compares: African/African-American, 0.004%; no homozygotes.

Submission:

CeGaT Center for Human Genetics Tuebingen
Classification: Likely benign. Last evaluated: 2023-02-01. Review status: criteria provided, single submitter. Criteria: CeGaT Center For Human Genetics Tuebingen Variant Classification Criteria Version 2. Collection method: clinical testing. Allele origin: germline. Affected: yes. Observed: 1 variant allele.
Comment: PKD1L1: BP4, BP7